The following is an entry in ClinVar:

NM_000062.3(SERPING1):c.392C>G (p.Ser131Cys)

Gene: SERPING1 (serpin family G member 1; plus strand). Cytogenetic location: 11q12.1.
Variant type: single nucleotide variant.
Coding change: c.392C>G on transcript NM_000062.3 (MANE Select); coding-DNA position 392, C replaced by G.
Protein change: p.Ser131Cys; replaces serine 131 with cysteine.
Molecular consequence: missense variant.
Genome position (GRCh38, 1-based): chr11:57,600,219, C>G. VCF-style: chr11-57600219-C-G. GRCh37 (hg19) VCF-style: chr11-57367692-C-G.
Other names: c.392C>G, p.Ser131Cys (NM_001032295.2); short protein forms S131C.
Identifiers: ClinVar variation 1953933 (VCV001953933.5), dbSNP rs373895356, ClinGen allele CA223054134.

ClinVar aggregate classification (germline): Uncertain significance (1 of 4 stars; one submission).

Allele frequency attached by ClinVar (database versions not stated): TOPMed 0.00003; ESP Exome Variant Server 0.00008.
gnomAD v4.1: 10 of 1,614,072 alleles (0.00062%); highest among the groups gnomAD compares: Admixed American, 0.005%; no homozygotes.

Submission:

Labcorp Genetics (formerly Invitae), Labcorp
Classification: Uncertain significance. Last evaluated: 2022-03-04. Review status: criteria provided, single submitter. Criteria: Invitae Variant Classification Sherloc (09022015). Collection method: clinical testing. Allele origin: germline.
Comment: This sequence change replaces serine, which is neutral and polar, with cysteine, which is neutral and slightly polar, at codon 131 of the SERPING1 protein (p.Ser131Cys). This variant is present in population databases (rs373895356, gnomAD 0.006%). This variant has not been reported in the literature in individuals affected with SERPING1-related conditions. Advanced modeling of protein sequence and biophysical properties (such as structural, functional, and spatial information, amino acid conservation, physicochemical variation, residue mobility, and thermodynamic stability) performed at Invitae indicates that this missense variant is not expected to disrupt SERPING1 protein function. In summary, the available evidence is currently insufficient to determine the role of this variant in disease. Therefore, it has been classified as a Variant of Uncertain Significance.